The following is an entry in ClinVar:

NM_003632.3(CNTNAP1):c.1861C>A (p.Arg621=)

Gene: CNTNAP1 (contactin associated protein 1; plus strand). Cytogenetic location: 17q21.2.
Variant type: single nucleotide variant.
Coding change: c.1861C>A on transcript NM_003632.3 (MANE Select); coding-DNA position 1861, C replaced by A.
Protein change: p.Arg621=; no amino-acid change (arginine 621 retained).
Molecular consequence: synonymous variant.
Genome position (GRCh38, 1-based): chr17:42,690,744, C>A. VCF-style: chr17-42690744-C-A. GRCh37 (hg19) VCF-style: chr17-40842762-C-A.
Other names: p.Arg621=.
Identifiers: ClinVar variation 1166792 (VCV001166792.14), dbSNP rs1553469, ClinGen allele CA8581910.

ClinVar aggregate classification (germline): Benign. Review status: criteria provided, multiple submitters, no conflicts (2 of 4 stars). 5 submissions from 5 submitters: Benign (4). 1 of the submissions does not count toward it. Last evaluated 2026-02-01.

Conditions:
CNTNAP1-related disorder. Also called: CNTNAP1-related condition; CNTNAP1-related disease.

Allele frequency attached by ClinVar (database versions not stated): gnomAD 0.05932 and 0.05873; ExAC 0.06590; gnomAD exomes 0.06995; ESP Exome Variant Server 0.05597; 1000 Genomes Project 0.03954; 1000 Genomes Project 30x 0.04185.
gnomAD v4.1: 109,397 of 1,613,400 alleles (6.8%); highest among the groups gnomAD compares: Admixed American, 14%; 4,225 homozygotes.

Submissions (5):

Labcorp Genetics (formerly Invitae), Labcorp
Classification: Benign. Last evaluated: 2026-02-01. Review status: criteria provided, single submitter. Criteria: Invitae Variant Classification Sherloc (09022015). Collection method: clinical testing. Allele origin: germline.

GeneDx
Classification: Benign. Last evaluated: 2019-10-02. Review status: criteria provided, single submitter. Criteria: GeneDx Variant Classification Process June 2021. Collection method: clinical testing. Allele origin: germline. Affected: yes.

Mayo Clinic Laboratories, Mayo Clinic
Classification: Benign. Last evaluated: 2017-08-24. Review status: criteria provided, single submitter. Criteria: ACMG Guidelines, 2015. Collection method: clinical testing. Allele origin: germline. Observed: 231 variant alleles.

Breakthrough Genomics
Classification: Benign. Review status: criteria provided, single submitter. Criteria: ACMG Guidelines, 2015. Collection method: not provided. Allele origin: germline. Inheritance: Autosomal recessive inheritance. Affected: yes.

PreventionGenetics, part of Exact Sciences
Classification: Benign for CNTNAP1-related condition. Last evaluated: 2019-07-08. Review status: no assertion criteria provided. Collection method: clinical testing. Allele origin: germline. Not counted in ClinVar's aggregate classification.
Comment: This variant is classified as benign based on ACMG/AMP sequence variant interpretation guidelines (Richards et al. 2015 PMID: 25741868, with internal and published modifications).